The following is an entry in ClinVar:

NM_018444.4(PDP1):c.-80C>T

Gene: PDP1 (pyruvate dehydrogenase phosphatase catalytic subunit 1; plus strand). Cytogenetic location: 8q22.1.
Variant type: single nucleotide variant.
Coding change: c.-80C>T on transcript NM_018444.4 (MANE Select); 80 bases upstream of the start codon, C replaced by T.
Molecular consequence: 5 prime UTR variant.
Genome position (GRCh38, 1-based): chr8:93,917,044, C>T. VCF-style: chr8-93917044-C-T. GRCh37 (hg19) VCF-style: chr8-94929272-C-T.
Other names: c.-179C>T (NM_001161779.2); c.-40C>T (NM_001161780.2); c.-219C>T (NM_001161781.2).
Identifiers: ClinVar variation 680341 (VCV000680341.1), dbSNP rs1586148685, ClinGen allele CA915948842.

ClinVar aggregate classification (germline): Likely benign (1 of 4 stars; one submission).

Submission:

GeneDx
Classification: Likely benign. Last evaluated: 2018-03-19. Review status: criteria provided, single submitter. Criteria: GeneDx Variant Classification (06012015). Collection method: clinical testing. Allele origin: germline. Affected: yes.
Comment: This variant is considered likely benign or benign based on one or more of the following criteria: it is a conservative change, it occurs at a poorly conserved position in the protein, it is predicted to be benign by multiple in silico algorithms, and/or has population frequency not consistent with disease.